The following is an entry in ClinVar:

NM_000135.4(FANCA):c.2151+2_2151+3insG

Gene: FANCA (FA complementation group A; minus strand). Cytogenetic location: 16q24.3.
Variant type: Insertion.
Coding change: c.2151+2_2151+3insG on transcript NM_000135.4 (MANE Select); the canonical splice donor site of the intron after coding-DNA position 2151 through 3 bases into the intron after coding-DNA position 2151, G inserted.
Molecular consequence: splice donor variant.
Genome position: GRCh38 VCF-style: chr16-89771675-T-TC. GRCh37 (hg19) VCF-style: chr16-89838083-T-TC.
Other names: c.2151+2_2151+3insG (NM_001286167.3).
Identifiers: ClinVar variation 974323 (VCV000974323.1), dbSNP rs2039330307, ClinGen allele CA1139665016.

ClinVar aggregate classification (germline): Pathogenic (0 of 4 stars; one submission).

Conditions:
Fanconi anemia complementation group A (FANCA). Also called: Fanconi anemia, group A; FANCA-Related Fanconi Anemia. Identifiers: Orphanet 84, MedGen C3469521, MONDO:0009215, OMIM 227650.

Submission:

Leiden Open Variation Database
Classification: Pathogenic for Fanconi anemia complementation group A. Last evaluated: 2020-02-28. Review status: no assertion criteria provided. Collection method: curation. Allele origin: germline. Affected: yes.
Comment: Curator: Arleen D. Auerbach. Submitter to LOVD: Johan de Winter.

Literature cited by the submitters: PubMed 17924555.